The following is an entry in ClinVar:

NM_004415.4(DSP):c.2218T>C (p.Cys740Arg)

Gene: DSP (desmoplakin; plus strand). Cytogenetic location: 6p24.3.
Variant type: single nucleotide variant.
Coding change: c.2218T>C on transcript NM_004415.4 (MANE Select); coding-DNA position 2218, T replaced by C.
Protein change: p.Cys740Arg; replaces cysteine 740 with arginine.
Molecular consequence: missense variant.
Genome position (GRCh38, 1-based): chr6:7,574,173, T>C. VCF-style: chr6-7574173-T-C. GRCh37 (hg19) VCF-style: chr6-7574406-T-C.
Other names: c.2218T>C, p.Cys740Arg (NM_001008844.3, NM_001319034.2); short protein forms C740R.
Identifiers: ClinVar variation 3386641 (VCV003386641.2).

ClinVar aggregate classification (germline): Uncertain significance. Review status: criteria provided, multiple submitters, no conflicts (2 of 4 stars). 2 submissions from 2 submitters: Uncertain significance (2). Last evaluated 2025-08-11.

Conditions:
Cardiomyopathy (CMYO). Also called: Cardiomyopathies. Identifiers: Orphanet 167848, MedGen C0878544, MONDO:0004994, HP:0001638. Inheritance: Various modes of inheritance.
Arrhythmogenic cardiomyopathy with wooly hair and keratoderma. Also called: Carvajal syndrome; PALMOPLANTAR KERATODERMA WITH LEFT VENTRICULAR CARDIOMYOPATHY AND WOOLLY HAIR; Dilated cardiomyopathy with woolly hair and keratoderma; Arrhythmogenic cardiomyopathy with woolly hair and keratoderma. Identifiers: Orphanet 65282, MedGen C1854063, MONDO:0011581, OMIM 605676.

Submissions (2):

Color Diagnostics, LLC DBA Color Health
Classification: Uncertain significance for Cardiomyopathy. Last evaluated: 2025-08-11. Review status: criteria provided, single submitter. Criteria: ACMG Guidelines, 2015. Collection method: clinical testing. Allele origin: germline.
Comment: This missense variant replaces cysteine with arginine at codon 740 of the DSP protein. Computational prediction suggests that this variant may not impact protein structure and function. To our knowledge, functional studies have not been reported for this variant. This variant has not been reported in individuals affected with DSP-related disorders in the literature. This variant has not been identified in the general population by the Genome Aggregation Database (gnomAD). The available evidence is insufficient to determine the role of this variant in disease conclusively. Therefore, this variant is classified as a Variant of Uncertain Significance.

All of Us Research Program, National Institutes of Health
Classification: Uncertain significance for Arrhythmogenic cardiomyopathy with wooly hair and keratoderma. Last evaluated: 2024-08-06. Review status: criteria provided, single submitter. Criteria: ACMG Guidelines, 2015. Collection method: clinical testing. Allele origin: germline. Inheritance: Autosomal dominant inheritance. Observed: 1 variant allele, 1 heterozygote.
Comment: This study involves interpretation of variants in research participants for the purpose of population health screening. Participant phenotype was not available at the time of variant classification. Additional details can be found in publication PMID: 35346344, PMCID: PMC8962531